The following is an entry in ClinVar:

NM_001360.3(DHCR7):c.1211G>A (p.Arg404His)

Gene: DHCR7 (7-dehydrocholesterol reductase; minus strand). Cytogenetic location: 11q13.4.
Variant type: single nucleotide variant.
Coding change: c.1211G>A on transcript NM_001360.3 (MANE Select); coding-DNA position 1211, G replaced by A.
Protein change: p.Arg404His; replaces arginine 404 with histidine.
Molecular consequence: missense variant.
Genome position (GRCh38, 1-based): chr11:71,435,592, C>T on the plus strand (G>A on the coding strand, the complement: DHCR7 is on the minus strand). VCF-style: chr11-71435592-C-T. GRCh37 (hg19) VCF-style: chr11-71146638-C-T.
Other names: c.1211G>A, p.Arg404His (NM_001163817.2); short protein forms R404H.
Identifiers: ClinVar variation 1675468 (VCV001675468.36), dbSNP rs1949268223, ClinGen allele CA381701465.

ClinVar aggregate classification (germline): Likely pathogenic. Review status: criteria provided, multiple submitters, no conflicts (2 of 4 stars). 2 submissions from 2 submitters: Likely pathogenic (2). Last evaluated 2024-01-04.

Conditions:
Smith-Lemli-Opitz syndrome (SLOS). Also called: POLYDACTYLY, SEX REVERSAL, RENAL HYPOPLASIA, AND UNILOBAR LUNG; RSH SYNDROME; RUTLEDGE LETHAL MULTIPLE CONGENITAL ANOMALY SYNDROME; 7-Dehydrocholesterol reductase deficiency; LETHAL ACRODYSGENITAL SYNDROME. Identifiers: Orphanet 818, MedGen C0175694, MONDO:0010035, OMIM 270400.

Allele frequency attached by ClinVar (database versions not stated): TOPMed below 0.00001; gnomAD exomes 0.00001.
gnomAD v4.1: 14 of 1,609,116 alleles (0.00087%); highest among the groups gnomAD compares: East Asian, 0.0022%; no homozygotes.

Submissions (2):

Labcorp Genetics (formerly Invitae), Labcorp
Classification: Likely pathogenic for Smith-Lemli-Opitz syndrome. Last evaluated: 2024-01-04. Review status: criteria provided, single submitter. Criteria: Invitae Variant Classification Sherloc (09022015). Collection method: clinical testing. Allele origin: germline.
Comment: This sequence change replaces arginine, which is basic and polar, with histidine, which is basic and polar, at codon 404 of the DHCR7 protein (p.Arg404His). This variant is not present in population databases (gnomAD no frequency). This variant has not been reported in the literature in individuals affected with DHCR7-related conditions. ClinVar contains an entry for this variant (Variation ID: 1675468). Advanced modeling of protein sequence and biophysical properties (such as structural, functional, and spatial information, amino acid conservation, physicochemical variation, residue mobility, and thermodynamic stability) performed at Invitae indicates that this missense variant is expected to disrupt DHCR7 protein function with a positive predictive value of 95%. This variant disrupts the p.Arg404 amino acid residue in DHCR7. Other variant(s) that disrupt this residue have been determined to be pathogenic (PMID: 9653161, 10677299, 12818773, 15896653). This suggests that this residue is clinically significant, and that variants that disrupt this residue are likely to be disease-causing. In summary, the currently available evidence indicates that the variant is pathogenic, but additional data are needed to prove that conclusively. Therefore, this variant has been classified as Likely Pathogenic.

CeGaT Center for Human Genetics Tuebingen
Classification: Likely pathogenic. Last evaluated: 2022-11-01. Review status: criteria provided, single submitter. Criteria: CeGaT Center For Human Genetics Tuebingen Variant Classification Criteria Version 2. Collection method: clinical testing. Allele origin: germline. Affected: yes. Observed: 2 variant alleles.
Comment: DHCR7: PM2, PM3, PM5, PP4

Literature cited by the submitters: PubMed 9653161 (cited by Labcorp Genetics (formerly Invitae), Labcorp); PubMed 10677299 (cited by Labcorp Genetics (formerly Invitae), Labcorp); PubMed 12818773 (cited by Labcorp Genetics (formerly Invitae), Labcorp); PubMed 15896653 (cited by Labcorp Genetics (formerly Invitae), Labcorp).